The following is an entry in ClinVar:

ClinVar aggregate classification (germline): Uncertain significance. Review status: criteria provided, multiple submitters, no conflicts (2 of 4 stars). 2 submissions from 2 submitters: Uncertain significance (2). Last evaluated 2021-08-30.

Conditions:
Cardiomyopathy (CMYO). Also called: Cardiomyopathies. Identifiers: Orphanet 167848, MedGen C0878544, MONDO:0004994, HP:0001638. Inheritance: Various modes of inheritance.
Hypertrophic cardiomyopathy. Also called: HYPERTROPHIC MYOCARDIOPATHY. Identifiers: Orphanet 217569, MedGen C0007194, MeSH D002312, MONDO:0005045, HP:0001639.

Submissions (2):

Labcorp Genetics (formerly Invitae), Labcorp
Classification: Uncertain significance for Hypertrophic cardiomyopathy. Last evaluated: 2021-08-30. Review status: criteria provided, single submitter. Criteria: Invitae Variant Classification Sherloc (09022015). Collection method: clinical testing. Allele origin: germline.
Comment: This sequence change replaces glycine with arginine at codon 169 of the MYBPC3 protein (p.Gly169Arg). The glycine residue is highly conserved and there is a moderate physicochemical difference between glycine and arginine. This variant also falls at the last nucleotide of exon 4, which is part of the consensus splice site for this exon. This variant is not present in population databases (ExAC no frequency). This variant has not been reported in the literature in individuals affected with MYBPC3-related conditions. Algorithms developed to predict the effect of missense changes on protein structure and function (SIFT, PolyPhen-2, Align-GVGD) all suggest that this variant is likely to be disruptive. Variants that disrupt the consensus splice site are a relatively common cause of aberrant splicing (PMID: 17576681, 9536098). Algorithms developed to predict the effect of sequence changes on RNA splicing suggest that this variant may disrupt the consensus splice site. In summary, the available evidence is currently insufficient to determine the role of this variant in disease. Therefore, it has been classified as a Variant of Uncertain Significance.

Color Diagnostics, LLC DBA Color Health
Classification: Uncertain significance for Cardiomyopathy. Last evaluated: 2021-06-14. Review status: criteria provided, single submitter. Criteria: ACMG Guidelines, 2015. Collection method: clinical testing. Allele origin: germline.
Comment: This missense variant replaces glycine with arginine at codon 169 of the MYBPC3 protein. Computational prediction suggests that this variant may have deleterious impact on protein structure and function (internally defined REVEL score threshold >= 0.7, PMID: 27666373). To our knowledge, functional studies have not been reported for this variant. This variant has not been reported in individuals affected with cardiovascular disorders in the literature. This variant has not been identified in the general population by the Genome Aggregation Database (gnomAD). The available evidence is insufficient to determine the role of this variant in disease conclusively. Therefore, this variant is classified as a Variant of Uncertain Significance.

Literature cited by the submitters: PubMed 17576681 (cited by Labcorp Genetics (formerly Invitae), Labcorp); PubMed 9536098 (cited by Labcorp Genetics (formerly Invitae), Labcorp).

NM_000256.3(MYBPC3):c.505G>C (p.Gly169Arg)

Gene: MYBPC3 (myosin binding protein C3; minus strand). Cytogenetic location: 11p11.2.
Variant type: single nucleotide variant.
Coding change: c.505G>C on transcript NM_000256.3 (MANE Select); coding-DNA position 505, G replaced by C.
Protein change: p.Gly169Arg; replaces glycine 169 with arginine.
Molecular consequence: missense variant.
Genome position (GRCh38, 1-based): chr11:47,350,014, C>G on the plus strand (G>C on the coding strand, the complement: MYBPC3 is on the minus strand). VCF-style: chr11-47350014-C-G. GRCh37 (hg19) VCF-style: chr11-47371565-C-G.
Other names: short protein forms G169R.
Identifiers: ClinVar variation 1332641 (VCV001332641.4), dbSNP rs886039212, ClinGen allele CA380338337.